The following is an entry in ClinVar:

ClinVar aggregate classification (germline): Pathogenic (1 of 4 stars; one submission).

Conditions:
Developmental and epileptic encephalopathy, 11 (DEE11). Also called: Early infantile epileptic encephalopathy 11. Identifiers: Orphanet 1934, MedGen C3150987, MONDO:0013388, OMIM 613721.
Seizures, benign familial infantile, 3 (BFIS3). Also called: CONVULSIONS, BENIGN FAMILIAL INFANTILE, 3; Familial neonatal seizures. Identifiers: Orphanet 140927, Orphanet 306, MedGen C1843140, MONDO:0011904, OMIM 607745.

Submission:

Labcorp Genetics (formerly Invitae), Labcorp
Classification: Pathogenic for Seizures, benign familial infantile, 3; Developmental and epileptic encephalopathy, 11. Last evaluated: 2025-11-02. Review status: criteria provided, single submitter. Criteria: Invitae Variant Classification Sherloc (09022015). Collection method: clinical testing. Allele origin: germline.
Comment: This sequence change creates a premature translational stop signal (p.Gln457*) in the SCN2A gene. It is expected to result in an absent or disrupted protein product. Loss-of-function variants in SCN2A are known to be pathogenic (PMID: 28379373). This variant is not present in population databases (gnomAD no frequency). This variant has not been reported in the literature in individuals affected with SCN2A-related conditions. For these reasons, this variant has been classified as Pathogenic.

Literature cited by the submitters: PubMed 28379373.

NM_001040142.2(SCN2A):c.1369C>T (p.Gln457Ter)

Gene: SCN2A (sodium voltage-gated channel alpha subunit 2; plus strand). Cytogenetic location: 2q24.3.
Variant type: single nucleotide variant.
Coding change: c.1369C>T on transcript NM_001040142.2 (MANE Select); coding-DNA position 1369, C replaced by T.
Protein change: p.Gln457Ter; replaces glutamine 457 with a stop codon.
Molecular consequence: nonsense.
Genome position (GRCh38, 1-based): chr2:165,314,094, C>T. VCF-style: chr2-165314094-C-T. GRCh37 (hg19) VCF-style: chr2-166170604-C-T.
Other names: c.1369C>T, p.Gln457Ter (NM_001040143.2, NM_001371246.1, NM_001371247.1 and 1 more transcripts); short protein forms Q457*.
Identifiers: ClinVar variation 4786585 (VCV004786585.1).